The following is an entry in ClinVar:

NM_019023.5(PRMT7):c.1576-31G>A

Gene: PRMT7 (protein arginine methyltransferase 7; plus strand). Cytogenetic location: 16q22.1.
Variant type: single nucleotide variant.
Coding change: c.1576-31G>A on transcript NM_019023.5 (MANE Select); 31 bases into the intron before coding-DNA position 1576, G replaced by A.
Molecular consequence: intron variant. On other transcripts: synonymous variant (1), non-coding transcript variant (5).
Genome position (GRCh38, 1-based): chr16:68,353,461, G>A. VCF-style: chr16-68353461-G-A. GRCh37 (hg19) VCF-style: chr16-68387364-G-A.
Other names: c.1548G>A, p.Ala516= (NM_001351144.3); c.1339-31G>A (NM_001378022.1, NM_001378021.1, NM_001378023.1); c.1576-31G>A (NM_001351143.3, NM_001378018.1, NM_001290018.2); c.1426-31G>A (NM_001184824.4); c.1369-31G>A (NM_001378020.1).
Identifiers: ClinVar variation 4990428 (VCV004990428.1).

ClinVar aggregate classification (germline): Likely benign (1 of 4 stars; one submission).

Conditions:
PRMT7-related disorder. Also called: PRMT7-related condition.

gnomAD v4.1: 35 of 1,609,824 alleles (0.0022%); highest among the groups gnomAD compares: South Asian, 0.0033%; no homozygotes.

Submission:

PreventionGenetics, part of Exact Sciences
Classification: Likely benign for PRMT7-related condition. Last evaluated: 2025-03-07. Review status: criteria provided, single submitter. Criteria: ACMG Guidelines, 2015. Collection method: clinical testing. Allele origin: germline.
Comment: This variant is classified as likely benign based on ACMG/AMP sequence variant interpretation guidelines (Richards et al. 2015 PMID: 25741868, with internal and published modifications).